The following is an entry in ClinVar:

ClinVar aggregate classification (germline): Uncertain significance (1 of 4 stars; one submission).

Conditions:
Charcot-Marie-Tooth disease type 4. Also called: Charcot-Marie-Tooth disease, type IV; Charcot-Marie-Tooth, Type 4. Identifiers: Orphanet 64749, MedGen C4082197, MONDO:0018995.

Allele frequency attached by ClinVar (database versions not stated): gnomAD exomes below 0.00001 and 0.00001; ExAC 0.00003.
gnomAD v4.1: 8 of 1,594,610 alleles (0.0005%); highest among the groups gnomAD compares: South Asian, 0.0034%; no homozygotes.

Submission:

Labcorp Genetics (formerly Invitae), Labcorp
Classification: Uncertain significance for Charcot-Marie-Tooth disease type 4. Last evaluated: 2025-09-03. Review status: criteria provided, single submitter. Criteria: Invitae Variant Classification Sherloc (09022015). Collection method: clinical testing. Allele origin: germline.
Comment: This sequence change replaces glycine, which is neutral and non-polar, with serine, which is neutral and polar, at codon 16 of the SH3TC2 protein (p.Gly16Ser). The frequency data for this variant in the population databases is considered unreliable, as metrics indicate poor data quality at this position in the gnomAD database. This variant has not been reported in the literature in individuals affected with SH3TC2-related conditions. ClinVar contains an entry for this variant (Variation ID: 543332). Invitae Evidence Modeling of protein sequence and biophysical properties (such as structural, functional, and spatial information, amino acid conservation, physicochemical variation, residue mobility, and thermodynamic stability) indicates that this missense variant is not expected to disrupt SH3TC2 protein function with a negative predictive value of 95%. In summary, the available evidence is currently insufficient to determine the role of this variant in disease. Therefore, it has been classified as a Variant of Uncertain Significance.

NM_024577.4(SH3TC2):c.46G>A (p.Gly16Ser)

Gene: SH3TC2 (SH3 domain and tetratricopeptide repeats 2; minus strand). Cytogenetic location: 5q32.
Variant type: single nucleotide variant.
Coding change: c.46G>A on transcript NM_024577.4 (MANE Select); coding-DNA position 46, G replaced by A.
Protein change: p.Gly16Ser; replaces glycine 16 with serine.
Molecular consequence: missense variant.
Genome position (GRCh38, 1-based): chr5:149,062,977, C>T on the plus strand (G>A on the coding strand, the complement: SH3TC2 is on the minus strand). VCF-style: chr5-149062977-C-T. GRCh37 (hg19) VCF-style: chr5-148442540-C-T.
Other names: short protein forms G16S.
Identifiers: ClinVar variation 543332 (VCV000543332.7), dbSNP rs753975938, ClinGen allele CA3499694.